The following is an entry in ClinVar:

ClinVar aggregate classification (germline): Pathogenic. Review status: criteria provided, multiple submitters, no conflicts (2 of 4 stars). 3 submissions from 3 submitters: Pathogenic (3). Last evaluated 2025-11-06.

Conditions:
Hereditary cancer-predisposing syndrome. Also called: Neoplastic Syndromes, Hereditary; Hereditary Cancer Syndrome; Tumor predisposition; Hereditary neoplastic syndrome. Identifiers: Orphanet 140162, MedGen C0027672, MeSH D009386, MONDO:0015356.
Familial cancer of breast. Also called: Hereditary breast cancer; hereditary breast carcinoma; BREAST CANCER, FAMILIAL. Identifiers: Orphanet 227535, MedGen C0346153, MONDO:0016419, OMIM 114480. Disease mechanism: loss of function.

Submissions (3):

Labcorp Genetics (formerly Invitae), Labcorp
Classification: Pathogenic for Familial cancer of breast. Last evaluated: 2025-11-06. Review status: criteria provided, single submitter. Criteria: Invitae Variant Classification Sherloc (09022015). Collection method: clinical testing. Allele origin: germline.
Comment: This sequence change creates a premature translational stop signal (p.Ser133*) in the PALB2 gene. It is expected to result in an absent or disrupted protein product. Loss-of-function variants in PALB2 are known to be pathogenic (PMID: 17200668, 17200671, 17200672, 24136930, 25099575). This variant is not present in population databases (gnomAD no frequency). This variant has not been reported in the literature in individuals affected with PALB2-related conditions. ClinVar contains an entry for this variant (Variation ID: 581602). For these reasons, this variant has been classified as Pathogenic.

Ambry Genetics
Classification: Pathogenic for Hereditary cancer-predisposing syndrome. Last evaluated: 2023-05-30. Review status: criteria provided, single submitter. Criteria: Ambry Variant Classification Scheme 2023. Collection method: clinical testing. Allele origin: germline.
Comment: The c.396_397delCA pathogenic mutation, located in coding exon 4 of the PALB2 gene, results from a deletion of two nucleotides at nucleotide positions 396 to 397, causing a translational frameshift with a predicted alternate stop codon (p.S133*). This variant is considered to be rare based on population cohorts in the Genome Aggregation Database (gnomAD). This alteration is expected to result in loss of function by premature protein truncation or nonsense-mediated mRNA decay. As such, this alteration is interpreted as a disease-causing mutation.

Color Diagnostics, LLC DBA Color Health
Classification: Pathogenic for Hereditary cancer-predisposing syndrome. Last evaluated: 2022-03-16. Review status: criteria provided, single submitter. Criteria: ACMG Guidelines, 2015. Collection method: clinical testing. Allele origin: germline.
Comment: This variant deletes 2 nucleotides in exon 4 of the PALB2 gene, creating a frameshift and premature translation stop signal. This variant is expected to result in an absent or non-functional protein product. To our knowledge, this variant has not been reported in individuals affected with hereditary cancer in the literature. This variant has not been identified in the general population by the Genome Aggregation Database (gnomAD). Loss of PALB2 function is a known mechanism of disease. Based on the available evidence, this variant is classified as Pathogenic.

Literature cited by the submitters: PubMed 17200668 (cited by Labcorp Genetics (formerly Invitae), Labcorp); PubMed 17200671 (cited by Labcorp Genetics (formerly Invitae), Labcorp); PubMed 17200672 (cited by Labcorp Genetics (formerly Invitae), Labcorp); PubMed 24136930 (cited by Labcorp Genetics (formerly Invitae), Labcorp); PubMed 25099575 (cited by Labcorp Genetics (formerly Invitae), Labcorp).

NM_024675.4(PALB2):c.396_397del (p.Val132_Ser133insTer)

Gene: PALB2 (partner and localizer of BRCA2; minus strand). Cytogenetic location: 16p12.2.
Variant type: Deletion.
Coding change: c.396_397del on transcript NM_024675.4 (MANE Select); coding-DNA positions 396 to 397, 2 bases deleted (CA; older notation c.396_397delCA).
Protein change: p.Val132_Ser133insTer.
Molecular consequence: frameshift variant.
Genome position (GRCh38, 1-based): chr16:23,636,149-23,636,150, TG deleted on the plus strand (CA on the coding strand, the reverse complement: PALB2 is on the minus strand). VCF-style (leftmost placement, unchanged base first): chr16-23636148-CTG-C. GRCh37 (hg19) VCF-style: chr16-23647469-CTG-C.
Other names: c.396_397delCA (NM_024675.3).
Identifiers: ClinVar variation 581602 (VCV000581602.12), dbSNP rs1567222943, ClinGen allele CA891843629.
Genomic context (GRCh38, chr16:23,636,148, plus strand): 5'-CTCTTCTGCTGCTTCTTTCTTCTGCTTGGCAGCTTCTGCTTTTGCTCACCACTAGGGTCA[CTG>C]ACCCTGTGGGGAAAATGTTCTTGGGTGTCATCTGTTCTTTGTATAGGTAATCCTCCTGGG-3'